The following is an entry in ClinVar:

ClinVar aggregate classification (germline): Likely benign (1 of 4 stars; one submission).

Conditions:
Breast-ovarian cancer, familial, susceptibility to, 2 (BROVCA2). Also called: BRCA2 Hereditary Breast and Ovarian Cancer. Identifiers: Orphanet 145, MedGen C2675520, MONDO:0012933, OMIM 612555. Disease mechanism: loss of function.

gnomAD v4.1: 1 of 1,614,052 alleles (0.000062%); highest among the groups gnomAD compares: Non-Finnish European, 0.000085%; no homozygotes.

Submission:

Cancer Bioinformatics and Tumour Evolution Laboratory, Monash University
Classification: Likely benign for Breast-ovarian cancer, familial, susceptibility to, 2. Last evaluated: 2026-05-01. Review status: criteria provided, single submitter. Criteria: ClinGen BRCA1 and BRCA2 Guidelines, 2024. Collection method: curation. Allele origin: germline. Inheritance: Autosomal dominant inheritance.
Comment: PMID: 39281752 - A large scale study to determine the case-control LR of BRCA1 and BRCA2 variants. The data was consolidated in the ccLR browser. This variant was found in the browser with a LR of 0.803107719 which is in the no evidence range according to the BRCA1 and BRCA2 VCEP. Hence, no evidence code is applied. Missense variant outside of a functional domain with no splice impact. BRCA1 and BRCA2 VCEP guidelines recommend application of BP1_Strong (PMID: 39142283)

Literature cited by the submitters: PubMed 39281752.

NM_000059.4(BRCA2):c.3416A>G (p.Lys1139Arg)

Gene: BRCA2 (BRCA2 DNA repair associated; plus strand). Cytogenetic location: 13q13.1.
Variant type: single nucleotide variant.
Coding change: c.3416A>G on transcript NM_000059.4 (MANE Select); coding-DNA position 3416, A replaced by G.
Protein change: p.Lys1139Arg; replaces lysine 1139 with arginine.
Molecular consequence: missense variant. On other transcripts: non-coding transcript variant (1), intron variant (2).
Genome position (GRCh38, 1-based): chr13:32,337,771, A>G. VCF-style: chr13-32337771-A-G. GRCh37 (hg19) VCF-style: chr13-32911908-A-G.
Other names: c.3416A>G, p.Lys1139Arg (NM_001406719.1, NM_001406720.1, NM_001432077.1); c.1909+4384A>G (NM_001406721.1); c.424+6741A>G (NM_001406722.1); short protein forms K1139R.
Identifiers: ClinVar variation 4856513 (VCV004856513.1).